The following is an entry in ClinVar:

ClinVar aggregate classification (germline): Pathogenic/Likely pathogenic. Review status: criteria provided, multiple submitters, no conflicts (2 of 4 stars). 5 submissions from 5 submitters: Pathogenic (3); Likely pathogenic (1). 1 of the submissions does not count toward it. Last evaluated 2026-09-11.

Conditions:
Microcephaly 8, primary, autosomal recessive. Identifiers: Orphanet 2512, MedGen C3553414, MONDO:0013849, OMIM 614673.

Allele frequency attached by ClinVar (database versions not stated): gnomAD 0.00005; ExAC 0.00003; TOPMed 0.00005; gnomAD exomes 0.00007.
gnomAD v4.1: 107 of 1,607,282 alleles (0.0067%); highest among the groups gnomAD compares: Non-Finnish European, 0.0087%; no homozygotes.

Submissions (5):

GeneDx
Classification: Pathogenic. Last evaluated: 2026-09-11. Review status: criteria provided, single submitter. Criteria: GeneDx Variant Classification Process June 2021. Collection method: clinical testing. Allele origin: germline.
Comment: Nonsense variant predicted to result in protein truncation or nonsense mediated decay in a gene for which loss of function is a known mechanism of disease; Not observed at significant frequency in large population cohorts (gnomAD); This variant is associated with the following publications: (PMID: 32643282)

Dasa
Classification: Pathogenic. Last evaluated: 2026-01-02. Review status: criteria provided, single submitter. Criteria: DASA Assertion Criteria. Collection method: clinical testing. Allele origin: germline.
Comment: NM_025009.5(CEP135):c.3211A>T (p.Lys1071*) introduces a premature termination codon leading to loss of normal protein function. Loss-of-function is an established mechanism of disease for this gene. The variant has been reported in individuals with autosomal recessive primary microcephaly (PMID: 32643282). It is present at low frequency in population datasets. Based on the available data, this variant is classified as pathogenic.

Labcorp Genetics (formerly Invitae), Labcorp
Classification: Pathogenic. Last evaluated: 2024-06-23. Review status: criteria provided, single submitter. Criteria: Invitae Variant Classification Sherloc (09022015). Collection method: clinical testing. Allele origin: germline.
Comment: This sequence change creates a premature translational stop signal (p.Lys1071*) in the CEP135 gene. It is expected to result in an absent or disrupted protein product. Loss-of-function variants in CEP135 are known to be pathogenic (PMID: 22521416, 26657937). This variant is present in population databases (rs200676378, gnomAD 0.006%). This premature translational stop signal has been observed in individual(s) with primary microcephaly (PMID: 32643282). ClinVar contains an entry for this variant (Variation ID: 977828). For these reasons, this variant has been classified as Pathogenic.

Revvity Omics, Revvity
Classification: Likely pathogenic for Microcephaly 8, primary, autosomal recessive. Last evaluated: 2021-11-15. Review status: criteria provided, single submitter. Criteria: ACMG Guidelines, 2015. Collection method: clinical testing. Allele origin: germline.

Service de Génétique Moléculaire, Hôpital Robert Debré
Classification: Likely pathogenic for Microcephaly 8, primary, autosomal recessive. Review status: no assertion criteria provided. Collection method: clinical testing. Allele origin: unknown. Affected: yes. Not counted in ClinVar's aggregate classification.

Literature cited by the submitters: PubMed 32643282 (cited by Dasa and Labcorp Genetics (formerly Invitae), Labcorp); PubMed 33889545 (cited by Dasa); PubMed 22521416 (cited by Labcorp Genetics (formerly Invitae), Labcorp); PubMed 26657937 (cited by Labcorp Genetics (formerly Invitae), Labcorp).

NM_025009.5(CEP135):c.3211A>T (p.Lys1071Ter)

Gene: CEP135 (centrosomal protein 135; plus strand). Cytogenetic location: 4q12.
Variant type: single nucleotide variant.
Coding change: c.3211A>T on transcript NM_025009.5 (MANE Select); coding-DNA position 3211, A replaced by T.
Protein change: p.Lys1071Ter; replaces lysine 1071 with a stop codon.
Molecular consequence: nonsense.
Genome position (GRCh38, 1-based): chr4:56,019,551, A>T. VCF-style: chr4-56019551-A-T. GRCh37 (hg19) VCF-style: chr4-56885717-A-T.
Other names: short protein forms K1071*.
Identifiers: ClinVar variation 977828 (VCV000977828.13), dbSNP rs200676378, ClinGen allele CA2928345.